The following is an entry in ClinVar:

NM_032242.4(PLXNA1):c.1358G>C (p.Arg453Pro)

Gene: PLXNA1 (plexin A1; plus strand). Cytogenetic location: 3q21.3.
Variant type: single nucleotide variant.
Coding change: c.1358G>C on transcript NM_032242.4 (MANE Select); coding-DNA position 1358, G replaced by C.
Protein change: p.Arg453Pro; replaces arginine 453 with proline.
Molecular consequence: missense variant.
Genome position (GRCh38, 1-based): chr3:126,991,547, G>C. VCF-style: chr3-126991547-G-C. GRCh37 (hg19) VCF-style: chr3-126710390-G-C.
Other names: short protein forms R453P.
Identifiers: ClinVar variation 2636009 (VCV002636009.4), dbSNP rs149382163, ClinGen allele CA2593202.

ClinVar aggregate classification (germline): Uncertain significance. Review status: criteria provided, single submitter (1 of 4 stars). 2 submissions from 2 submitters: Uncertain significance (1). 1 of the submissions does not count toward it. Last evaluated 2023-12-09.

Conditions:
PLXNA1-related disorder. Also called: PLXNA1-related condition.

Allele frequency attached by ClinVar (database versions not stated): ESP Exome Variant Server 0.00015.
gnomAD v4.1: 101 of 1,585,188 alleles (0.0064%); highest among the groups gnomAD compares: Admixed American, 0.01%; no homozygotes.

Submissions (2):

Ambry Genetics
Classification: Uncertain significance. Last evaluated: 2023-12-09. Review status: criteria provided, single submitter. Criteria: Ambry Variant Classification Scheme 2023. Collection method: clinical testing. Allele origin: germline.

PreventionGenetics, part of Exact Sciences
Classification: Uncertain significance for PLXNA1-related condition. Last evaluated: 2024-09-24. Review status: no assertion criteria provided. Collection method: clinical testing. Allele origin: germline. Not counted in ClinVar's aggregate classification.
Comment: The PLXNA1 c.1358G>C variant is predicted to result in the amino acid substitution p.Arg453Pro. To our knowledge, this variant has not been reported in the literature. This variant is reported in 0.015% of alleles in individuals of European (Non-Finnish) descent in gnomAD. At this time, the clinical significance of this variant is uncertain due to the absence of conclusive functional and genetic evidence.